The following is an entry in ClinVar:

ClinVar aggregate classification (germline): Uncertain significance (1 of 4 stars; one submission).

Submission:

Labcorp Genetics (formerly Invitae), Labcorp
Classification: Uncertain significance. Last evaluated: 2023-03-23. Review status: criteria provided, single submitter. Criteria: Invitae Variant Classification Sherloc (09022015). Collection method: clinical testing. Allele origin: germline.
Comment: This variant has not been reported in the literature in individuals affected with CACNA1B-related conditions. ClinVar contains an entry for this variant (Variation ID: 2015651). An algorithm developed to predict the effect of missense changes on protein structure and function (PolyPhen-2) suggests that this variant is likely to be tolerated. In summary, the available evidence is currently insufficient to determine the role of this variant in disease. Therefore, it has been classified as a Variant of Uncertain Significance. This variant is not present in population databases (gnomAD no frequency). This sequence change replaces cysteine, which is neutral and slightly polar, with tyrosine, which is neutral and polar, at codon 2316 of the CACNA1B protein (p.Cys2316Tyr).

NM_000718.4(CACNA1B):c.6947G>A (p.Cys2316Tyr)

Gene: CACNA1B (calcium voltage-gated channel subunit alpha1 B; plus strand). Cytogenetic location: 9q34.3.
Variant type: single nucleotide variant.
Coding change: c.6947G>A on transcript NM_000718.4 (MANE Select); coding-DNA position 6947, G replaced by A.
Protein change: p.Cys2316Tyr; replaces cysteine 2316 with tyrosine.
Molecular consequence: missense variant. On other transcripts: 3 prime UTR variant (1).
Genome position (GRCh38, 1-based): chr9:138,121,926, G>A. VCF-style: chr9-138121926-G-A. GRCh37 (hg19) VCF-style: chr9-141016378-G-A.
Other names: c.*46G>A (NM_001243812.2); short protein forms C2316Y.
Identifiers: ClinVar variation 2015651 (VCV002015651.4), dbSNP rs2539620043, ClinGen allele CA375825245.
Genomic context (GRCh38, chr9:138,121,926, plus strand): 5'-ACGTGTCCTCCCTGACCTCCCAGTCTCACCCTCTCCGCCGCGTGCCCAACGGTTACCACT[G>A]CACCCTGGGACTCAGCTCGGGTGGCCGAGCACGGCACAGCTACCACCACCCTGACCAAGA-3'
Protein context (NP_000709.1, residues 2306-2326): PLRRVPNGYH[Cys2316Tyr]TLGLSSGGRA